The following is an entry in ClinVar:

ClinVar aggregate classification (germline): Likely benign. Review status: reviewed by expert panel (3 of 4 stars). 2 submissions from 2 submitters: Likely benign (1). 1 of the submissions does not count toward it. Last evaluated 2025-01-15.

Conditions:
Hereditary thrombocytopenia and hematologic cancer predisposition syndrome. Identifiers: Orphanet 71290, MedGen CN281654, MONDO:0011071.
Hereditary thrombocytopenia and hematological cancer predisposition syndrome associated with RUNX1. Also called: PLATELET DISORDER, ASPIRIN-LIKE; RUNX1 Familial Platelet Disorder with Associated Myeloid Malignancies; Familial Platelet Disorder with Propensity to Acute Myelogenous Leukemia; Familial thrombocytopenia with propensity to acute myelogenous leukemia. Identifiers: Orphanet 71290, MedGen C1832388, MeSH C563324, MONDO:0100083, OMIM 601399.

Submissions (2):

ClinGen Myeloid Malignancy Variant Curation Expert Panel
Classification: Likely benign for Hereditary thrombocytopenia and hematologic cancer predisposition syndrome. Last evaluated: 2025-01-15. Review status: reviewed by expert panel. Criteria: ClinGen MyeloMalig ACMG Specifications v2. Collection method: curation. Allele origin: germline. Inheritance: Autosomal dominant inheritance.
Comment: NM_001754.5(RUNX1):c.614-7A>T is an intronic variant which has a SpliceAI score ≤ 0.20 (0.01) (BP4). This variant has a SpliceAI score ≤ 0.20 (0.01) and evolutionary conservation prediction algorithms predict the site as not being conserved (PhyloP score ≤ 2.0 (-0.14) (BP7). This variant is completely absent from all population databases with at least 20x coverage for RUNX1 (PM2_Supporting). In summary, this variant meets criteria to be classified as likely benign. ACMG/AMP criteria applied, as specified by the Myeloid Malignancy Variant Curation Expert Panel for RUNX1: BP4, BP7, PM2_supporting.

Labcorp Genetics (formerly Invitae), Labcorp
Classification: Likely benign for Hereditary thrombocytopenia and hematological cancer predisposition syndrome associated with RUNX1. Last evaluated: 2025-01-06. Review status: criteria provided, single submitter. Criteria: Invitae Variant Classification Sherloc (09022015). Collection method: clinical testing. Allele origin: germline. Not counted in ClinVar's aggregate classification.

NM_001754.5(RUNX1):c.614-7A>T

Gene: RUNX1 (RUNX family transcription factor 1; minus strand). Cytogenetic location: 21q22.12.
Variant type: single nucleotide variant.
Coding change: c.614-7A>T on transcript NM_001754.5 (MANE Select); 7 bases into the intron before coding-DNA position 614, A replaced by T.
Molecular consequence: intron variant.
Genome position (GRCh38, 1-based): chr21:34,834,608, T>A on the plus strand (A>T on the coding strand, the complement: RUNX1 is on the minus strand). VCF-style: chr21-34834608-T-A. GRCh37 (hg19) VCF-style: chr21-36206905-T-A.
Other names: c.533-7A>T (NM_001001890.3, NM_001122607.2).
Identifiers: ClinVar variation 1104652 (VCV001104652.10), dbSNP rs763091190, ClinGen allele CA2499225881.